The following is an entry in ClinVar:

NM_001035.3(RYR2):c.9621C>T (p.Asn3207=)

Gene: RYR2 (ryanodine receptor 2; plus strand). Cytogenetic location: 1q43.
Variant type: single nucleotide variant.
Coding change: c.9621C>T on transcript NM_001035.3 (MANE Select); coding-DNA position 9621, C replaced by T.
Protein change: p.Asn3207=; no amino-acid change (asparagine 3207 retained).
Molecular consequence: synonymous variant.
Genome position (GRCh38, 1-based): chr1:237,706,989, C>T. VCF-style: chr1-237706989-C-T. GRCh37 (hg19) VCF-style: chr1-237870289-C-T.
Other names: c.9621C>T (NM_001035.2).
Identifiers: ClinVar variation 928386 (VCV000928386.7), dbSNP rs1370012835, ClinGen allele CA424031561.
Genomic context (GRCh38, chr1:237,706,989, plus strand): 5'-TTTTATATGTACTTCTCCAGCTCTCAGTTTGCCAACTAATGTGGAAGATGTTTGTCCAAA[C>T]ATACCGTCTTTGGAGAAACTCATGGAAGAAATCGTGGAATTAGCCGAGTCCGGCATTCGC-3'
Protein context (NP_001026.2, residues 3197-3217): LPTNVEDVCP[Asn3207=]IPSLEKLMEE

ClinVar aggregate classification (germline): Likely benign. Review status: criteria provided, multiple submitters, no conflicts (2 of 4 stars). 4 submissions from 4 submitters: Likely benign (4). Last evaluated 2026-05-17.

Conditions:
Cardiovascular phenotype. Identifiers: MedGen CN230736.
Catecholaminergic polymorphic ventricular tachycardia (CVPT). Also called: Catecholamine-induced polymorphic ventricular tachycardia. Identifiers: Orphanet 3286, MedGen C5574922, MONDO:0017990.
Cardiomyopathy (CMYO). Also called: Cardiomyopathies. Identifiers: Orphanet 167848, MedGen C0878544, MONDO:0004994, HP:0001638. Inheritance: Various modes of inheritance.
Catecholaminergic polymorphic ventricular tachycardia 1. Also called: VENTRICULAR TACHYCARDIA, STRESS-INDUCED POLYMORPHIC 1; VENTRICULAR TACHYCARDIA, CATECHOLAMINERGIC POLYMORPHIC, 1, WITH OR WITHOUT ATRIAL DYSFUNCTION AND/OR DILATED CARDIOMYOPATHY; RYR2-Related Catecholaminergic Polymorphic Ventricular Tachycardia. Identifiers: Orphanet 3286, MedGen C1631597, MONDO:0011484, OMIM 604772.

Allele frequency attached by ClinVar (database versions not stated): TOPMed below 0.00001; gnomAD exomes below 0.00001; gnomAD 0.00001.
gnomAD v4.1: 5 of 1,613,726 alleles (0.00031%); highest among the groups gnomAD compares: Non-Finnish European, 0.00025%; no homozygotes.

Submissions (4):

Ambry Genetics
Classification: Likely benign for Cardiovascular phenotype. Last evaluated: 2026-05-17. Review status: criteria provided, single submitter. Criteria: Ambry Variant Classification Scheme 2023. Collection method: clinical testing. Allele origin: germline.

Labcorp Genetics (formerly Invitae), Labcorp
Classification: Likely benign for Catecholaminergic polymorphic ventricular tachycardia 1. Last evaluated: 2025-12-01. Review status: criteria provided, single submitter. Criteria: Invitae Variant Classification Sherloc (09022015). Collection method: clinical testing. Allele origin: germline.

All of Us Research Program, National Institutes of Health
Classification: Likely benign for Catecholaminergic polymorphic ventricular tachycardia. Last evaluated: 2023-08-15. Review status: criteria provided, single submitter. Criteria: ACMG Guidelines, 2015. Collection method: clinical testing. Allele origin: germline. Inheritance: Autosomal dominant inheritance. Observed: 2 variant alleles, 2 heterozygotes.
Comment: This study involves interpretation of variants in research participants for the purpose of population health screening. Participant phenotype was not available at the time of variant classification. Additional details can be found in publication PMID: 35346344, PMCID: PMC8962531

Color Diagnostics, LLC DBA Color Health
Classification: Likely benign for Cardiomyopathy. Last evaluated: 2019-03-30. Review status: criteria provided, single submitter. Criteria: ACMG Guidelines, 2015. Collection method: clinical testing. Allele origin: germline.